The following is an entry in ClinVar:

NM_016333.4(SRRM2):c.1206C>G (p.Asp402Glu)

Gene: SRRM2 (serine/arginine repetitive matrix 2; plus strand). Cytogenetic location: 16p13.3.
Variant type: single nucleotide variant.
Coding change: c.1206C>G on transcript NM_016333.4 (MANE Select); coding-DNA position 1206, C replaced by G.
Protein change: p.Asp402Glu; replaces aspartic acid 402 with glutamic acid.
Molecular consequence: missense variant.
Genome position (GRCh38, 1-based): chr16:2,761,734, C>G. VCF-style: chr16-2761734-C-G. GRCh37 (hg19) VCF-style: chr16-2811735-C-G.
Other names: short protein forms D402E.
Identifiers: ClinVar variation 4883176 (VCV004883176.2).

ClinVar aggregate classification (germline): Uncertain significance (1 of 4 stars; one submission).

gnomAD v4.1: 1 of 1,611,106 alleles (0.000062%); highest among the groups gnomAD compares: Non-Finnish European, 0.000085%; no homozygotes.

Submission:

Dasa
Classification: Uncertain significance. Last evaluated: 2024-10-20. Review status: criteria provided, single submitter. Criteria: DASA Assertion Criteria. Collection method: clinical testing. Allele origin: germline.
Comment: NM_016333.4(SRRM2):c.1206C>G (p.Asp402Glu) is a missense variant that results in the substitution of aspartic acid with glutamic acid. This variant is rare in population databases. Computational prediction algorithms are consistent with a benign effect. The currently available literature and clinical evidence are not sufficient to establish a definitive association between this variant and the reported condition. Therefore, this variant is classified as a variant of uncertain significance.